The following is an entry in ClinVar:

ClinVar aggregate classification (germline): Uncertain significance (1 of 4 stars; one submission).

Conditions:
Hereditary cancer-predisposing syndrome. Also called: Tumor predisposition; Hereditary neoplastic syndrome; Hereditary Cancer Syndrome; Neoplastic Syndromes, Hereditary. Identifiers: Orphanet 140162, MedGen C0027672, MeSH D009386, MONDO:0015356.

Submission:

Ambry Genetics
Classification: Uncertain significance for Hereditary cancer-predisposing syndrome. Last evaluated: 2025-05-07. Review status: criteria provided, single submitter. Criteria: Ambry Variant Classification Scheme 2023. Collection method: clinical testing. Allele origin: germline.
Comment: The c.129A>T variant (also known as p.S43S), located in coding exon 2 of the PDGFRA gene, results from an A to T substitution at nucleotide position 129. This nucleotide substitution does not change the serine at codon 43. This nucleotide position is not well conserved in available vertebrate species. In silico splice site analysis for this alteration is inconclusive. Based on the available evidence, the clinical significance of this variant remains unclear.

NM_006206.6(PDGFRA):c.129A>T (p.Ser43=)

Gene: PDGFRA (platelet derived growth factor receptor alpha; plus strand). Cytogenetic location: 4q12.
Variant type: single nucleotide variant.
Coding change: c.129A>T on transcript NM_006206.6 (MANE Select); coding-DNA position 129, A replaced by T.
Protein change: p.Ser43=; no amino-acid change (serine 43 retained).
Molecular consequence: synonymous variant.
Genome position (GRCh38, 1-based): chr4:54,261,174, A>T. VCF-style: chr4-54261174-A-T. GRCh37 (hg19) VCF-style: chr4-55127341-A-T.
Other names: c.129A>T, p.Ser43= (NM_001347827.2, NM_001347829.2); c.204A>T, p.Ser68= (NM_001347828.2); c.168A>T, p.Ser56= (NM_001347830.2).
Identifiers: ClinVar variation 3930175 (VCV003930175.1).